The following is an entry in ClinVar:

NM_000051.4(ATM):c.5033T>A (p.Val1678Glu)

Gene: ATM (ATM serine/threonine kinase; plus strand). Cytogenetic location: 11q22.3.
Variant type: single nucleotide variant.
Coding change: c.5033T>A on transcript NM_000051.4 (MANE Select); coding-DNA position 5033, T replaced by A.
Protein change: p.Val1678Glu; replaces valine 1678 with glutamic acid.
Molecular consequence: missense variant.
Genome position (GRCh38, 1-based): chr11:108,299,741, T>A. VCF-style: chr11-108299741-T-A. GRCh37 (hg19) VCF-style: chr11-108170468-T-A.
Other names: c.5033T>A, p.Val1678Glu (NM_001351834.2); short protein forms V1678E.
Identifiers: ClinVar variation 236728 (VCV000236728.9), dbSNP rs878853516, ClinGen allele CA10582824.
Genomic context (GRCh38, chr11:108,299,741, plus strand): 5'-ATGACTCTACTGAAATAGAATTTCTATATGTAGAGGCTGTTGGAAGCTGCTTGGGAGAAG[T>A]GGGTCCTATAGATTTCTCTACCATAGCTATACAACATAGTAAAGATGCATCTTATACCAA-3'
Protein context (NP_000042.3, residues 1668-1688): LEAVGSCLGE[Val1678Glu]GPIDFSTIAI

ClinVar aggregate classification (germline): Uncertain significance. Review status: criteria provided, multiple submitters, no conflicts (2 of 4 stars). 3 submissions from 3 submitters: Uncertain significance (3). Last evaluated 2024-09-04.

Conditions:
Ataxia-telangiectasia syndrome (AT). Also called: LOUIS-BAR SYNDROME; Ataxia-telangiectasia, complementation group D; AT, COMPLEMENTATION GROUP C; Ataxia-telangiectasia, complementation group E; Ataxia telangiectasia (A-T); Cerebello-oculocutaneous telangiectasia. Identifiers: Orphanet 100, MedGen C0004135, MONDO:0008840, OMIM 208900.

Allele frequency attached by ClinVar (database versions not stated): gnomAD exomes below 0.00001.
gnomAD v4.1: 2 of 1,613,908 alleles (0.00012%); highest among the groups gnomAD compares: Non-Finnish European, 0.000085%; no homozygotes.

Submissions (3):

Blueprint Genetics
Classification: Uncertain significance. Last evaluated: 2024-09-04. Review status: criteria provided, single submitter. Criteria: ACMG Guidelines, 2015. Collection method: clinical testing. Allele origin: germline.

GeneDx
Classification: Uncertain significance. Last evaluated: 2023-06-05. Review status: criteria provided, single submitter. Criteria: GeneDx Variant Classification Process June 2021. Collection method: clinical testing. Allele origin: germline. Affected: yes.
Comment: Not observed at significant frequency in large population cohorts (gnomAD); In silico analysis supports that this missense variant has a deleterious effect on protein structure/function; Has not been previously published as pathogenic or benign to our knowledge

Labcorp Genetics (formerly Invitae), Labcorp
Classification: Uncertain significance for Ataxia-telangiectasia syndrome. Last evaluated: 2023-02-18. Review status: criteria provided, single submitter. Criteria: Invitae Variant Classification Sherloc (09022015). Collection method: clinical testing. Allele origin: germline.
Comment: In summary, the available evidence is currently insufficient to determine the role of this variant in disease. Therefore, it has been classified as a Variant of Uncertain Significance. An algorithm developed to predict the effect of missense changes on protein structure and function (PolyPhen-2) suggests that this variant is likely to be tolerated. ClinVar contains an entry for this variant (Variation ID: 236728). This variant has not been reported in the literature in individuals affected with ATM-related conditions. This variant is not present in population databases (gnomAD no frequency). This sequence change replaces valine, which is neutral and non-polar, with glutamic acid, which is acidic and polar, at codon 1678 of the ATM protein (p.Val1678Glu).